The following is an entry in ClinVar:

NM_031443.4(CCM2):c.916-1G>T

Gene: CCM2 (CCM2 scaffold protein; plus strand). Cytogenetic location: 7p13.
Variant type: single nucleotide variant.
Coding change: c.916-1G>T on transcript NM_031443.4 (MANE Select); the canonical splice acceptor site of the intron before coding-DNA position 916, G replaced by T.
Molecular consequence: splice acceptor variant.
Genome position (GRCh38, 1-based): chr7:45,074,269, G>T. VCF-style: chr7-45074269-G-T. GRCh37 (hg19) VCF-style: chr7-45113868-G-T.
Other names: NC_000007.13:g.45113868G>T; c.1039-1G>T (NM_001363458.2); c.643-1G>T (NM_001167935.2); c.865-1G>T (NM_001363459.2); c.742-1G>T (NM_001167934.2); c.979-1G>T (NM_001029835.2).
Identifiers: ClinVar variation 1710080 (VCV001710080.3), dbSNP rs2486175038, ClinGen allele CA367431194.

ClinVar aggregate classification (germline): Likely pathogenic (1 of 4 stars; one submission).

Conditions:
Cerebral cavernous malformation 2. Also called: Familial Cerebral Cavernous Malformation 2. Identifiers: Orphanet 221061, MedGen C1864041, MONDO:0011304, OMIM 603284.

gnomAD v4.1: 3 of 1,613,546 alleles (0.00019%); highest among the groups gnomAD compares: Non-Finnish European, 0.00025%; no homozygotes.

Submissions (2):

MGZ Medical Genetics Center
Classification: Likely pathogenic for Cerebral cavernous malformation 2. Last evaluated: 2021-12-08. Review status: criteria provided, single submitter. Criteria: ACMG Guidelines, 2015. Collection method: clinical testing. Allele origin: germline. Affected: yes. Observed: 2 variant alleles.
Comment: ACMG criteria applied: PVS1, PM2_SUP

Dr. Peter K. Rogan Lab, Western University
No classification provided (evidence only). Condition: Malignant tumor of esophagus. Review status: no classification provided. Collection method: in vitro. Allele origin: not applicable. Functional consequence: skipped exon. Not counted in ClinVar's aggregate classification.